The following is an entry in ClinVar:

NM_000256.3(MYBPC3):c.3578T>G (p.Ile1193Ser)

Gene: MYBPC3 (myosin binding protein C3; minus strand). Cytogenetic location: 11p11.2.
Variant type: single nucleotide variant.
Coding change: c.3578T>G on transcript NM_000256.3 (MANE Select); coding-DNA position 3578, T replaced by G.
Protein change: p.Ile1193Ser; replaces isoleucine 1193 with serine.
Molecular consequence: missense variant.
Genome position (GRCh38, 1-based): chr11:47,332,615, A>C on the plus strand (T>G on the coding strand, the complement: MYBPC3 is on the minus strand). VCF-style: chr11-47332615-A-C. GRCh37 (hg19) VCF-style: chr11-47354166-A-C.
Other names: short protein forms I1193S.
Identifiers: ClinVar variation 3073906 (VCV003073906.1), dbSNP rs546744563, ClinGen allele CA380312486.
Genomic context (GRCh38, chr11:47,332,615, plus strand): 5'-AAGTTCCCTACCTTGGGGCTACCCCGGACAGCACAGCAGAGCATAGCAGTGTAGCCCGCG[A>C]TGACCGAGCGGTTCACCAGGGGCTGGGTGAAGCTTGGGGCCTCGGAGAAGTCCAGGGCCT-3'
Protein context (NP_000247.2, residues 1183-1203): FTQPLVNRSV[Ile1193Ser]AGYTAMLCCA

ClinVar aggregate classification (germline): Uncertain significance (1 of 4 stars; one submission).

Conditions:
Hypertrophic cardiomyopathy. Also called: HYPERTROPHIC MYOCARDIOPATHY. Identifiers: Orphanet 217569, MedGen C0007194, MeSH D002312, MONDO:0005045, HP:0001639.

Submission:

All of Us Research Program, National Institutes of Health
Classification: Uncertain significance for Hypertrophic cardiomyopathy. Last evaluated: 2023-11-30. Review status: criteria provided, single submitter. Criteria: ACMG Guidelines, 2015. Collection method: clinical testing. Allele origin: germline. Inheritance: Autosomal dominant inheritance. Observed: 1 variant allele, 1 heterozygote.
Comment: This study involves interpretation of variants in research participants for the purpose of population health screening. Participant phenotype was not available at the time of variant classification. Additional details can be found in publication PMID: 35346344, PMCID: PMC8962531